The following is an entry in ClinVar:

NM_000057.4(BLM):c.1541A>T (p.Lys514Ile)

Gene: BLM (BLM RecQ like helicase; plus strand). Cytogenetic location: 15q26.1.
Variant type: single nucleotide variant.
Coding change: c.1541A>T on transcript NM_000057.4 (MANE Select); coding-DNA position 1541, A replaced by T.
Protein change: p.Lys514Ile; replaces lysine 514 with isoleucine.
Molecular consequence: missense variant.
Genome position (GRCh38, 1-based): chr15:90,760,914, A>T. VCF-style: chr15-90760914-A-T. GRCh37 (hg19) VCF-style: chr15-91304144-A-T.
Other names: c.1541A>T, p.Lys514Ile (NM_001287246.2, NM_001287247.2); c.416A>T, p.Lys139Ile (NM_001287248.2); c.1541A>T (NM_000057.2); short protein forms K139I, K514I.
Identifiers: ClinVar variation 1508278 (VCV001508278.9), dbSNP rs550463714, ClinGen allele CA393843283.

ClinVar aggregate classification (germline): Uncertain significance. Review status: criteria provided, multiple submitters, no conflicts (2 of 4 stars). 2 submissions from 2 submitters: Uncertain significance (2). Last evaluated 2024-10-29.

Conditions:
Hereditary cancer-predisposing syndrome. Also called: Hereditary neoplastic syndrome; Neoplastic Syndromes, Hereditary; Tumor predisposition; Hereditary Cancer Syndrome. Identifiers: Orphanet 140162, MedGen C0027672, MeSH D009386, MONDO:0015356.
Bloom syndrome (BLM). Also called: Bloom-Torre-Machacek syndrome. Identifiers: Orphanet 125, MedGen C0005859, MONDO:0008876, OMIM 210900.

gnomAD v4.1: 1 of 1,614,084 alleles (0.000062%); highest among the groups gnomAD compares: Non-Finnish European, 0.000085%; no homozygotes.

Submissions (2):

Ambry Genetics
Classification: Uncertain significance for Hereditary cancer-predisposing syndrome. Last evaluated: 2024-10-29. Review status: criteria provided, single submitter. Criteria: Ambry Variant Classification Scheme 2023. Collection method: clinical testing. Allele origin: germline.
Comment: The p.K514I variant (also known as c.1541A>T), located in coding exon 6 of the BLM gene, results from an A to T substitution at nucleotide position 1541. The lysine at codon 514 is replaced by isoleucine, an amino acid with dissimilar properties. This amino acid position is conserved. In addition, this alteration is predicted to be tolerated by in silico analysis. Based on the available evidence, the clinical significance of this variant remains unclear.

Labcorp Genetics (formerly Invitae), Labcorp
Classification: Uncertain significance for Bloom syndrome. Last evaluated: 2021-02-07. Review status: criteria provided, single submitter. Criteria: Invitae Variant Classification Sherloc (09022015). Collection method: clinical testing. Allele origin: germline.
Comment: This variant has not been reported in the literature in individuals with BLM-related conditions. This sequence change replaces lysine with isoleucine at codon 514 of the BLM protein (p.Lys514Ile). The lysine residue is weakly conserved and there is a moderate physicochemical difference between lysine and isoleucine. This variant is not present in population databases (ExAC no frequency). Algorithms developed to predict the effect of missense changes on protein structure and function (SIFT, PolyPhen-2, Align-GVGD) all suggest that this variant is likely to be tolerated, but these predictions have not been confirmed by published functional studies and their clinical significance is uncertain. In summary, the available evidence is currently insufficient to determine the role of this variant in disease. Therefore, it has been classified as a Variant of Uncertain Significance.